The following is an entry in ClinVar:

NM_024740.2(ALG9):c.1382C>T (p.Thr461Ile)

Gene: ALG9 (ALG9 alpha-1,2-mannosyltransferase; minus strand). Cytogenetic location: 11q23.1.
Variant type: single nucleotide variant.
Coding change: c.1382C>T on transcript NM_024740.2 (MANE Select); coding-DNA position 1382, C replaced by T.
Protein change: p.Thr461Ile; replaces threonine 461 with isoleucine.
Molecular consequence: missense variant. On other transcripts: non-coding transcript variant (1).
Genome position (GRCh38, 1-based): chr11:111,837,558, G>A on the plus strand (C>T on the coding strand, the complement: ALG9 is on the minus strand). VCF-style: chr11-111837558-G-A. GRCh37 (hg19) VCF-style: chr11-111708281-G-A.
Other names: c.1361C>T, p.Thr454Ile (NM_001077690.1, NM_001352417.1); c.869C>T, p.Thr290Ile (NM_001077691.2, NM_001352413.1, NM_001352414.2 and 1 more transcripts); c.848C>T, p.Thr283Ile (NM_001077692.2, NM_001352409.1, NM_001352410.1 and 6 more transcripts); c.1238C>T, p.Thr413Ile (NM_001352418.1); c.773C>T, p.Thr258Ile (NM_001352422.2); c.725C>T, p.Thr242Ile (NM_001352423.2); short protein forms T283I, T454I, T242I, T258I, T413I, T461I, T290I.
Identifiers: ClinVar variation 2143973 (VCV002143973.2), dbSNP rs782060734, ClinGen allele CA6274435.

ClinVar aggregate classification (germline): Uncertain significance (1 of 4 stars; one submission).

Conditions:
ALG9 congenital disorder of glycosylation (CDG1L). Also called: CONGENITAL DISORDER OF GLYCOSYLATION, TYPE Il; CDG Il; ALG9-CDG. Identifiers: Orphanet 79328, MedGen C2931006, MONDO:0012117, OMIM 608776.

Allele frequency attached by ClinVar (database versions not stated): gnomAD 0.00001; gnomAD exomes 0.00001; TOPMed 0.00001; ExAC 0.00002.
gnomAD v4.1: 6 of 1,614,044 alleles (0.00037%); highest among the groups gnomAD compares: Admixed American, 0.01%; no homozygotes.

Submission:

Labcorp Genetics (formerly Invitae), Labcorp
Classification: Uncertain significance for ALG9 congenital disorder of glycosylation. Last evaluated: 2024-02-24. Review status: criteria provided, single submitter. Criteria: Invitae Variant Classification Sherloc (09022015). Collection method: clinical testing. Allele origin: germline.
Comment: This sequence change replaces threonine, which is neutral and polar, with isoleucine, which is neutral and non-polar, at codon 461 of the ALG9 protein (p.Thr461Ile). This variant is present in population databases (rs782060734, gnomAD 0.01%). This variant has not been reported in the literature in individuals affected with ALG9-related conditions. ClinVar contains an entry for this variant (Variation ID: 2143973). Experimental studies and prediction algorithms are not available or were not evaluated, and the functional significance of this variant is currently unknown. In summary, the available evidence is currently insufficient to determine the role of this variant in disease. Therefore, it has been classified as a Variant of Uncertain Significance.